The following is an entry in ClinVar:

ClinVar aggregate classification (germline): Uncertain significance (1 of 4 stars; one submission).

Allele frequency attached by ClinVar (database versions not stated): gnomAD exomes below 0.00001 and 0.00001; TOPMed below 0.00001; ExAC 0.00001.
gnomAD v4.1: 3 of 1,589,926 alleles (0.00019%); highest among the groups gnomAD compares: Admixed American, 0.0055%; no homozygotes.

Submission:

Labcorp Genetics (formerly Invitae), Labcorp
Classification: Uncertain significance. Last evaluated: 2025-09-15. Review status: criteria provided, single submitter. Criteria: Invitae Variant Classification Sherloc (09022015). Collection method: clinical testing. Allele origin: germline.
Comment: This sequence change replaces isoleucine, which is neutral and non-polar, with methionine, which is neutral and non-polar, at codon 606 of the SCLT1 protein (p.Ile606Met). This variant is present in population databases (rs781164564, gnomAD 0.01%). This variant has not been reported in the literature in individuals affected with SCLT1-related conditions. ClinVar contains an entry for this variant (Variation ID: 1490340). An algorithm developed to predict the effect of missense changes on protein structure and function (PolyPhen-2) suggests that this variant is likely to be disruptive. In summary, the available evidence is currently insufficient to determine the role of this variant in disease. Therefore, it has been classified as a Variant of Uncertain Significance.

NM_144643.4(SCLT1):c.1818C>G (p.Ile606Met)

Gene: SCLT1 (sodium channel and clathrin linker 1; minus strand). Cytogenetic location: 4q28.2.
Variant type: single nucleotide variant.
Coding change: c.1818C>G on transcript NM_144643.4 (MANE Select); coding-DNA position 1818, C replaced by G.
Protein change: p.Ile606Met; replaces isoleucine 606 with methionine.
Molecular consequence: missense variant.
Genome position (GRCh38, 1-based): chr4:128,936,666, G>C on the plus strand (C>G on the coding strand, the complement: SCLT1 is on the minus strand). VCF-style: chr4-128936666-G-C. GRCh37 (hg19) VCF-style: chr4-129857821-G-C.
Other names: short protein forms I606M.
Identifiers: ClinVar variation 1490340 (VCV001490340.8), dbSNP rs781164564, ClinGen allele CA3079518.